The following is an entry in ClinVar:

NM_001134831.2(AHI1):c.2747A>G (p.Tyr916Cys)

Gene: AHI1 (Abelson helper integration site 1; minus strand). Cytogenetic location: 6q23.3.
Variant type: single nucleotide variant.
Coding change: c.2747A>G on transcript NM_001134831.2 (MANE Select); coding-DNA position 2747, A replaced by G.
Protein change: p.Tyr916Cys; replaces tyrosine 916 with cysteine.
Molecular consequence: missense variant.
Genome position (GRCh38, 1-based): chr6:135,427,184, T>C on the plus strand (A>G on the coding strand, the complement: AHI1 is on the minus strand). VCF-style: chr6-135427184-T-C. GRCh37 (hg19) VCF-style: chr6-135748322-T-C.
Other names: c.2747A>G, p.Tyr916Cys (NM_001134830.2, NM_001134832.2, NM_001350503.2 and 2 more transcripts); short protein forms Y916C.
Identifiers: ClinVar variation 1414350 (VCV001414350.3), dbSNP rs1583179767, ClinGen allele CA365740898.

ClinVar aggregate classification (germline): Uncertain significance (1 of 4 stars; one submission).

Conditions:
Joubert syndrome. Also called: CEREBELLOPARENCHYMAL DISORDER IV; JOUBERT-BOLTSHAUSER SYNDROME; Familial aplasia of the vermis. Identifiers: Orphanet 475, MedGen C5979921, MONDO:0018772.

Submission:

Labcorp Genetics (formerly Invitae), Labcorp
Classification: Uncertain significance for Joubert syndrome. Last evaluated: 2022-07-19. Review status: criteria provided, single submitter. Criteria: Invitae Variant Classification Sherloc (09022015). Collection method: clinical testing. Allele origin: germline.
Comment: This sequence change replaces tyrosine, which is neutral and polar, with cysteine, which is neutral and slightly polar, at codon 916 of the AHI1 protein (p.Tyr916Cys). This variant is not present in population databases (gnomAD no frequency). This variant has not been reported in the literature in individuals affected with AHI1-related conditions. ClinVar contains an entry for this variant (Variation ID: 1414350). Advanced modeling of protein sequence and biophysical properties (such as structural, functional, and spatial information, amino acid conservation, physicochemical variation, residue mobility, and thermodynamic stability) performed at Invitae indicates that this missense variant is expected to disrupt AHI1 protein function. In summary, the available evidence is currently insufficient to determine the role of this variant in disease. Therefore, it has been classified as a Variant of Uncertain Significance.